The following is an entry in ClinVar:

NM_001321103.2(SLC4A7):c.2496T>C (p.Asp832=)

Gene: SLC4A7 (solute carrier family 4 member 7; minus strand). Cytogenetic location: 3p24.1.
Variant type: single nucleotide variant.
Coding change: c.2496T>C on transcript NM_001321103.2 (MANE Select); coding-DNA position 2496, T replaced by C.
Protein change: p.Asp832=; no amino-acid change (aspartic acid 832 retained).
Molecular consequence: synonymous variant. On other transcripts: non-coding transcript variant (4).
Genome position (GRCh38, 1-based): chr3:27,398,285, A>G on the plus strand (T>C on the coding strand, the complement: SLC4A7 is on the minus strand). VCF-style: chr3-27398285-A-G. GRCh37 (hg19) VCF-style: chr3-27439776-A-G.
Other names: c.2112T>C, p.Asp704= (NM_001258379.2, NM_001321107.2); c.2097T>C, p.Asp699= (NM_001258380.2); c.2457T>C, p.Asp819= (NM_001321104.2, NM_001321105.2); c.2445T>C, p.Asp815= (NM_001321106.2); c.2124T>C, p.Asp708= (NM_001321108.2); c.2469T>C, p.Asp823= (NM_003615.5).
Identifiers: ClinVar variation 3053863 (VCV003053863.2), dbSNP rs372420522, ClinGen allele CA2291680.

ClinVar aggregate classification (germline): Likely benign (0 of 4 stars; one submission).

Conditions:
SLC4A7-related disorder. Also called: SLC4A7-related condition.

Allele frequency attached by ClinVar (database versions not stated): gnomAD exomes 0.00001; ExAC 0.00002; gnomAD 0.00005; ESP Exome Variant Server 0.00008; TOPMed 0.00015.
gnomAD v4.1: 18 of 1,613,408 alleles (0.0011%); highest among the groups gnomAD compares: African/African-American, 0.017%; no homozygotes.

Submission:

PreventionGenetics, part of Exact Sciences
Classification: Likely benign for SLC4A7-related condition. Last evaluated: 2019-11-19. Review status: no assertion criteria provided. Collection method: clinical testing. Allele origin: germline.
Comment: This variant is classified as likely benign based on ACMG/AMP sequence variant interpretation guidelines (Richards et al. 2015 PMID: 25741868, with internal and published modifications).